The following is an entry in ClinVar:

ClinVar aggregate classification (germline): Likely pathogenic (1 of 4 stars; one submission).

Submission:

Labcorp Genetics (formerly Invitae), Labcorp
Classification: Likely pathogenic. Last evaluated: 2024-07-03. Review status: criteria provided, single submitter. Criteria: Invitae Variant Classification Sherloc (09022015). Collection method: clinical testing. Allele origin: germline.
Comment: This sequence change replaces glycine, which is neutral and non-polar, with serine, which is neutral and polar, at codon 1018 of the COL4A5 protein (p.Gly1018Ser). This variant is not present in population databases (gnomAD no frequency). This variant has not been reported in the literature in individuals affected with COL4A5-related conditions. Advanced modeling of protein sequence and biophysical properties (such as structural, functional, and spatial information, amino acid conservation, physicochemical variation, residue mobility, and thermodynamic stability) performed at Invitae indicates that this missense variant is expected to disrupt COL4A5 protein function with a positive predictive value of 95%. This variant disrupts the triple helix domain of COL4A5. Glycine residues within the Gly-Xaa-Yaa repeats of the triple helix domain are required for the structure and stability of fibrillar collagens (PMID: 7695699, 8218237, 19344236). In COL4A5, missense variants at these glycine residues are significantly enriched in individuals with disease (PMID: 23720012, 27627812) compared to the general population (ExAC). This variant disrupts the p.Gly1018 amino acid residue in COL4A5. Other variant(s) that disrupt this residue have been observed in individuals with COL4A5-related conditions (PMID: 24304881, 33040356, 37097554), which suggests that this may be a clinically significant amino acid residue. In summary, the currently available evidence indicates that the variant is pathogenic, but additional data are needed to prove that conclusively. Therefore, this variant has been classified as Likely Pathogenic.

Literature cited by the submitters: PubMed 7695699; PubMed 8218237; PubMed 19344236; PubMed 23720012; PubMed 27627812; PubMed 24304881; PubMed 33040356; PubMed 37097554.

NM_033380.3(COL4A5):c.3052G>A (p.Gly1018Ser)

Gene: COL4A5 (collagen type IV alpha 5 chain; plus strand). Cytogenetic location: Xq22.3.
Variant type: single nucleotide variant.
Coding change: c.3052G>A on transcript NM_033380.3 (MANE Select); coding-DNA position 3052, G replaced by A.
Protein change: p.Gly1018Ser; replaces glycine 1018 with serine.
Molecular consequence: missense variant.
Genome position (GRCh38, 1-based): chrX:108,625,740, G>A. VCF-style: chrX-108625740-G-A. GRCh37 (hg19) VCF-style: chrX-107868970-G-A.
Other names: c.3052G>A, p.Gly1018Ser (NM_000495.5); short protein forms G1018S.
Identifiers: ClinVar variation 2734471 (VCV002734471.3), dbSNP rs1603298869, ClinGen allele CA413854581.